The following is an entry in ClinVar:

NM_182961.4(SYNE1):c.12023C>A (p.Ala4008Asp)

Gene: SYNE1 (spectrin repeat containing nuclear envelope protein 1; minus strand). Cytogenetic location: 6q25.2.
Variant type: single nucleotide variant.
Coding change: c.12023C>A on transcript NM_182961.4 (MANE Select); coding-DNA position 12023, C replaced by A.
Protein change: p.Ala4008Asp; replaces alanine 4008 with aspartic acid.
Molecular consequence: missense variant.
Genome position (GRCh38, 1-based): chr6:152,347,114, G>T on the plus strand (C>A on the coding strand, the complement: SYNE1 is on the minus strand). VCF-style: chr6-152347114-G-T. GRCh37 (hg19) VCF-style: chr6-152668249-G-T.
Other names: c.11810C>A, p.Ala3937Asp (NM_033071.5); short protein forms A3937D, A4008D.
Identifiers: ClinVar variation 586706 (VCV000586706.15), dbSNP rs137985190, ClinGen allele CA4056528.

ClinVar aggregate classification (germline): Uncertain significance. Review status: criteria provided, multiple submitters, no conflicts (2 of 4 stars). 4 submissions from 4 submitters: Uncertain significance (4). Last evaluated 2024-04-01.

Conditions:
Emery-Dreifuss muscular dystrophy 4, autosomal dominant (EDMD4). Also called: EMERY-DREIFUSS MUSCULAR DYSTROPHY 4 WITH VARIABLE FEATURES. Identifiers: Orphanet 261, MedGen C2751807, MONDO:0013071, OMIM 612998.
Autosomal recessive ataxia, Beauce type. Also called: SYNE1-Related Autosomal Recessive Cerebellar Ataxia; Spinocerebellar ataxia, autosomal recessive 8; ATAXIA, RECESSIVE, OF BEAUCE; SYNE1 Deficiency. Identifiers: Orphanet 88644, MedGen C1853116, MONDO:0012549, OMIM 610743.

Allele frequency attached by ClinVar (database versions not stated): 1000 Genomes Project 30x 0.00016; 1000 Genomes Project 0.00020; gnomAD 0.00025 and 0.00027; TOPMed 0.00027; ESP Exome Variant Server 0.00031.
gnomAD v4.1: 63 of 1,614,186 alleles (0.0039%); highest among the groups gnomAD compares: African/African-American, 0.075%; no homozygotes.

Submissions (4):

GeneDx
Classification: Uncertain significance. Last evaluated: 2024-04-01. Review status: criteria provided, single submitter. Criteria: GeneDx Variant Classification Process June 2021. Collection method: clinical testing. Allele origin: germline. Affected: yes.
Comment: In silico analysis supports that this missense variant does not alter protein structure/function; Has not been previously published as pathogenic or benign to our knowledge

Labcorp Genetics (formerly Invitae), Labcorp
Classification: Uncertain significance for Emery-Dreifuss muscular dystrophy 4, autosomal dominant; Autosomal recessive ataxia, Beauce type. Last evaluated: 2022-08-08. Review status: criteria provided, single submitter. Criteria: Invitae Variant Classification Sherloc (09022015). Collection method: clinical testing. Allele origin: germline.
Comment: This sequence change replaces alanine, which is neutral and non-polar, with aspartic acid, which is acidic and polar, at codon 3937 of the SYNE1 protein (p.Ala3937Asp). This variant is present in population databases (rs137985190, gnomAD 0.06%). This variant has not been reported in the literature in individuals affected with SYNE1-related conditions. ClinVar contains an entry for this variant (Variation ID: 586706). Algorithms developed to predict the effect of missense changes on protein structure and function are either unavailable or do not agree on the potential impact of this missense change (SIFT: "Deleterious"; PolyPhen-2: "Benign"; Align-GVGD: "Class C0"). In summary, the available evidence is currently insufficient to determine the role of this variant in disease. Therefore, it has been classified as a Variant of Uncertain Significance.

Revvity Omics, Revvity
Classification: Uncertain significance. Last evaluated: 2022-03-08. Review status: criteria provided, single submitter. Criteria: ACMG Guidelines, 2015. Collection method: clinical testing. Allele origin: germline.

Athena Diagnostics
Classification: Uncertain significance. Last evaluated: 2021-01-08. Review status: criteria provided, single submitter. Criteria: Athena Diagnostics criteria. Collection method: clinical testing. Allele origin: unknown.